The following is an entry in ClinVar:

ClinVar aggregate classification (germline): Uncertain significance (1 of 4 stars; one submission).

Submission:

Labcorp Genetics (formerly Invitae), Labcorp
Classification: Uncertain significance. Last evaluated: 2024-12-12. Review status: criteria provided, single submitter. Criteria: Invitae Variant Classification Sherloc (09022015). Collection method: clinical testing. Allele origin: germline.
Comment: This sequence change replaces lysine, which is basic and polar, with arginine, which is basic and polar, at codon 183 of the FAM111A protein (p.Lys183Arg). This variant is not present in population databases (gnomAD no frequency). This variant has not been reported in the literature in individuals affected with FAM111A-related conditions. Invitae Evidence Modeling of protein sequence and biophysical properties (such as structural, functional, and spatial information, amino acid conservation, physicochemical variation, residue mobility, and thermodynamic stability) indicates that this missense variant is not expected to disrupt FAM111A protein function with a negative predictive value of 80%. In summary, the available evidence is currently insufficient to determine the role of this variant in disease. Therefore, it has been classified as a Variant of Uncertain Significance.

NM_001312909.2(FAM111A):c.548A>G (p.Lys183Arg)

Gene: FAM111A (FAM111 trypsin like peptidase A; plus strand). Cytogenetic location: 11q12.1.
Variant type: single nucleotide variant.
Coding change: c.548A>G on transcript NM_001312909.2 (MANE Select); coding-DNA position 548, A replaced by G.
Protein change: p.Lys183Arg; replaces lysine 183 with arginine.
Molecular consequence: missense variant.
Genome position (GRCh38, 1-based): chr11:59,152,216, A>G. VCF-style: chr11-59152216-A-G. GRCh37 (hg19) VCF-style: chr11-58919689-A-G.
Other names: c.548A>G, p.Lys183Arg (NM_022074.4, NM_198847.3, NM_001374861.1 and 29 more transcripts); short protein forms K183R.
Identifiers: ClinVar variation 3666083 (VCV003666083.2).